The following is an entry in ClinVar:

ClinVar aggregate classification (germline): Uncertain significance. Review status: criteria provided, multiple submitters, no conflicts (2 of 4 stars). 2 submissions from 2 submitters: Uncertain significance (2). Last evaluated 2021-12-01.

Conditions:
Cataract 36. Identifiers: MedGen C3151304, MONDO:0013484, OMIM 613887.

Allele frequency attached by ClinVar (database versions not stated): TOPMed 0.00001; gnomAD 0.00001; gnomAD exomes 0.00002; ExAC 0.00001.
gnomAD v4.1: 31 of 1,613,708 alleles (0.0019%); highest among the groups gnomAD compares: East Asian, 0.0022%; no homozygotes.

Submissions (2):

Labcorp Genetics (formerly Invitae), Labcorp
Classification: Uncertain significance for Cataract 36. Last evaluated: 2021-12-01. Review status: criteria provided, single submitter. Criteria: Invitae Variant Classification Sherloc (09022015). Collection method: clinical testing. Allele origin: germline.
Comment: This sequence change replaces arginine, which is basic and polar, with glutamine, which is neutral and polar, at codon 1013 of the TDRD7 protein (p.Arg1013Gln). This variant is present in population databases (rs758400042, gnomAD 0.006%). This variant has not been reported in the literature in individuals affected with TDRD7-related conditions. ClinVar contains an entry for this variant (Variation ID: 914669). Algorithms developed to predict the effect of missense changes on protein structure and function are either unavailable or do not agree on the potential impact of this missense change (SIFT: "Deleterious"; PolyPhen-2: "Probably Damaging"; Align-GVGD: "Class C0"). In summary, the available evidence is currently insufficient to determine the role of this variant in disease. Therefore, it has been classified as a Variant of Uncertain Significance.

Illumina Laboratory Services, Illumina
Classification: Uncertain significance for Cataract 36. Last evaluated: 2018-01-13. Review status: criteria provided, single submitter. Criteria: ICSL Variant Classification Criteria 13 December 2019. Collection method: clinical testing. Allele origin: germline.

NM_014290.3(TDRD7):c.3038G>A (p.Arg1013Gln)

Gene: TDRD7 (tudor domain containing 7; plus strand). Cytogenetic location: 9q22.33.
Variant type: single nucleotide variant.
Coding change: c.3038G>A on transcript NM_014290.3 (MANE Select); coding-DNA position 3038, G replaced by A.
Protein change: p.Arg1013Gln; replaces arginine 1013 with glutamine.
Molecular consequence: missense variant.
Genome position (GRCh38, 1-based): chr9:97,487,294, G>A. VCF-style: chr9-97487294-G-A. GRCh37 (hg19) VCF-style: chr9-100249576-G-A.
Other names: c.2816G>A, p.Arg939Gln (NM_001302884.2); short protein forms R939Q, R1013Q.
Identifiers: ClinVar variation 914669 (VCV000914669.9), dbSNP rs758400042, ClinGen allele CA5147066.